The following is an entry in ClinVar:

ClinVar aggregate classification (germline): Benign. Review status: criteria provided, multiple submitters, no conflicts (2 of 4 stars). 16 submissions from 10 submitters: Benign (14). 2 of the submissions do not count toward it. Last evaluated 2026-02-04.

Conditions:
Retinitis pigmentosa (RP). Identifiers: Orphanet 791, MedGen C0035334, MeSH D012174, MONDO:0019200, OMIM 268000. Inheritance: Autosomal dominant, autosomal recessive and X linked inheritance.
Cone-rod dystrophy 12 (CORD12). Identifiers: Orphanet 1872, MedGen C2675210, MONDO:0012983, OMIM 612657.
Retinitis pigmentosa 41 (RP41). Also called: RETINAL DEGENERATION, AUTOSOMAL RECESSIVE, PROMININ-RELATED. Identifiers: Orphanet 791, MedGen C2677516, MONDO:0012796, OMIM 612095.
Stargardt disease 4 (STGD4). Identifiers: Orphanet 827, MedGen C1863534, MONDO:0011370, OMIM 603786.
Retinal macular dystrophy type 2 (MCDR2). Also called: Bull's eye macular dystrophy. Identifiers: Orphanet 319640, MedGen C4749334, MONDO:0011957, OMIM 608051.

Allele frequency attached by ClinVar (database versions not stated): 1000 Genomes Project 30x 0.23766; TOPMed 0.30485; gnomAD 0.34462 and 0.34571; ExAC 0.36079; gnomAD exomes 0.39055; 1000 Genomes Project 0.44688.
gnomAD v4.1: 562,463 of 1,437,758 alleles (39%); highest among the groups gnomAD compares: Non-Finnish European, 42%; 112,320 homozygotes.

Submissions (16):

Labcorp Genetics (formerly Invitae), Labcorp
Classification: Benign. Last evaluated: 2026-02-04. Review status: criteria provided, single submitter. Criteria: Invitae Variant Classification Sherloc (09022015). Collection method: clinical testing. Allele origin: germline.

Blueprint Genetics
Classification: Benign. Last evaluated: 2024-11-26. Review status: criteria provided, single submitter. Criteria: ACMG Guidelines, 2015. Collection method: clinical testing. Allele origin: germline.

Genome-Nilou Lab
Classification: Benign for Cone-rod dystrophy 12. Last evaluated: 2021-10-25. Review status: criteria provided, single submitter. Criteria: ACMG Guidelines, 2015. Collection method: clinical testing. Allele origin: germline. Affected: no.

Genome-Nilou Lab
Classification: Benign for Retinal macular dystrophy type 2. Last evaluated: 2021-10-25. Review status: criteria provided, single submitter. Criteria: ACMG Guidelines, 2015. Collection method: clinical testing. Allele origin: germline. Affected: no.

Genome-Nilou Lab
Classification: Benign for Retinitis pigmentosa 41. Last evaluated: 2021-10-25. Review status: criteria provided, single submitter. Criteria: ACMG Guidelines, 2015. Collection method: clinical testing. Allele origin: germline. Affected: no.

Genome-Nilou Lab
Classification: Benign for Stargardt disease 4. Last evaluated: 2021-10-25. Review status: criteria provided, single submitter. Criteria: ACMG Guidelines, 2015. Collection method: clinical testing. Allele origin: germline. Affected: no.

GeneDx
Classification: Benign. Last evaluated: 2018-05-14. Review status: criteria provided, single submitter. Criteria: GeneDx Variant Classification (06012015). Collection method: clinical testing. Allele origin: germline. Affected: yes.
Comment: This variant is considered likely benign or benign based on one or more of the following criteria: it is a conservative change, it occurs at a poorly conserved position in the protein, it is predicted to be benign by multiple in silico algorithms, and/or has population frequency not consistent with disease.

Illumina Laboratory Services, Illumina
Classification: Benign for Retinitis pigmentosa. Last evaluated: 2018-01-13. Review status: criteria provided, single submitter. Criteria: ICSL Variant Classification Criteria 13 December 2019. Collection method: clinical testing. Allele origin: germline.
Comment: This variant was observed in the ICSL laboratory as part of a predisposition screen in an ostensibly healthy population. It had not been previously curated by ICSL or reported in the Human Gene Mutation Database (HGMD: prior to June 1st, 2018), and was therefore a candidate for classification through an automated scoring system. Utilizing variant allele frequency, disease prevalence and penetrance estimates, and inheritance mode, an automated score was calculated to assess if this variant is too frequent to cause the disease. Based on the score and internal cut-off values, a variant classified as benign is not then subjected to further curation. The score for this variant resulted in a classification of benign for this disease.

Illumina Laboratory Services, Illumina
Classification: Benign for Stargardt disease 4. Last evaluated: 2018-01-13. Review status: criteria provided, single submitter. Criteria: ICSL Variant Classification Criteria 13 December 2019. Collection method: clinical testing. Allele origin: germline.
Comment: the same text as in the submission from Illumina Laboratory Services, Illumina above.

Illumina Laboratory Services, Illumina
Classification: Benign for Retinal macular dystrophy type 2. Last evaluated: 2018-01-13. Review status: criteria provided, single submitter. Criteria: ICSL Variant Classification Criteria 13 December 2019. Collection method: clinical testing. Allele origin: germline.
Comment: the same text as in the submission from Illumina Laboratory Services, Illumina above.

Illumina Laboratory Services, Illumina
Classification: Benign for Cone-rod dystrophy 12. Last evaluated: 2018-01-13. Review status: criteria provided, single submitter. Criteria: ICSL Variant Classification Criteria 13 December 2019. Collection method: clinical testing. Allele origin: germline.
Comment: the same text as in the submission from Illumina Laboratory Services, Illumina above.

Eurofins Ntd Llc (ga)
Classification: Benign. Last evaluated: 2013-07-25. Review status: criteria provided, single submitter. Criteria: EGL Classification Definitions 2015. Collection method: clinical testing. Allele origin: germline. Observed: 13 variant alleles, 10 heterozygotes, 3 homozygotes.

Breakthrough Genomics
Classification: Benign. Review status: criteria provided, single submitter. Criteria: ACMG Guidelines, 2015. Collection method: not provided. Allele origin: germline. Inheritance: Autosomal recessive inheritance. Affected: yes.

PreventionGenetics, part of Exact Sciences
Classification: Benign. Review status: criteria provided, single submitter. Criteria: ACMG Guidelines, 2015. Collection method: clinical testing. Allele origin: germline.

Diagnostic Laboratory, Department of Genetics, University Medical Center Groningen
Classification: Benign. Review status: no assertion criteria provided. Collection method: clinical testing. Allele origin: germline. Affected: yes. Study: VKGL Data-share Consensus. Not counted in ClinVar's aggregate classification.

Joint Genome Diagnostic Labs from Nijmegen and Maastricht, Radboudumc and MUMC+
Classification: Benign. Review status: no assertion criteria provided. Collection method: clinical testing. Allele origin: germline. Affected: yes. Study: VKGL Data-share Consensus. Not counted in ClinVar's aggregate classification.

NM_006017.3(PROM1):c.2374-6T>C

Gene: PROM1 (prominin 1; minus strand). Cytogenetic location: 4p15.32.
Variant type: single nucleotide variant.
Coding change: c.2374-6T>C on transcript NM_006017.3 (MANE Select); 6 bases into the intron before coding-DNA position 2374, T replaced by C.
Molecular consequence: intron variant.
Genome position (GRCh38, 1-based): chr4:15,980,543, A>G on the plus strand (T>C on the coding strand, the complement: PROM1 is on the minus strand). VCF-style: chr4-15980543-A-G. GRCh37 (hg19) VCF-style: chr4-15982166-A-G.
Other names: c.2347-6T>C (NM_001145848.2, NM_001145852.2, NM_001145847.2 and 4 more transcripts); c.2374-6T>C (NM_001145850.2, NM_001145849.2).
Identifiers: ClinVar variation 95334 (VCV000095334.26), dbSNP rs6449209, ClinGen allele CA148440.
Genomic context (GRCh38, chr4:15,980,543, plus strand): 5'-TTAGAGCCGGAAGTAAAAATACAGTAGCTTTTCCTATGCCAAACCAAAACAAATTCTAGG[A>G]AAAAAAAATCAGAAGAATTAAATGTTTGAAGATAAGAAATGGGAAAAACAGTTGTTTGGG-3'